The following is an entry in ClinVar:

ClinVar aggregate classification (germline): Uncertain significance (1 of 4 stars; one submission).

Submission:

GeneDx
Classification: Uncertain significance. Last evaluated: 2023-04-20. Review status: criteria provided, single submitter. Criteria: GeneDx Variant Classification Process June 2021. Collection method: clinical testing. Allele origin: germline. Affected: yes.
Comment: In-frame deletion of one amino acid in a non-repeat region; In silico analysis supports a deleterious effect on protein structure/function; Has not been previously published as pathogenic or benign to our knowledge

NM_015057.5(MYCBP2):c.6558AGA[2] (p.Glu2188del)

Gene: MYCBP2 (MYC binding protein 2; minus strand). Cytogenetic location: 13q22.3.
Variant type: Microsatellite.
Coding change: c.6558AGA[2] on transcript NM_015057.5 (MANE Select); two copies in a row of the 3-base unit AGA starting at c.6558; the reference has three copies in a row; one copy, 3 bases deleted.
Protein change: p.Glu2188del; deletes glutamic acid 2188.
Molecular consequence: inframe deletion.
Genome position (GRCh38, 1-based): chr13:77,161,937-77,161,939, TCT deleted on the plus strand (AGA on the coding strand, the reverse complement: MYCBP2 is on the minus strand); deleting any 3 consecutive bases within chr13:77,161,937-77,161,945 gives the same sequence; the position shown is the placement nearest the transcript's 3' end. VCF-style (leftmost placement, unchanged base first): chr13-77161936-GTCT-G. GRCh37 (hg19) VCF-style: chr13-77736071-GTCT-G.
Other names: short protein forms E2188del.
Identifiers: ClinVar variation 2663584 (VCV002663584.1), dbSNP rs756225222, ClinGen allele CA7009184.